The following is an entry in ClinVar:

NM_001009944.3(PKD1):c.2180T>C (p.Leu727Pro)

Gene: PKD1 (polycystin 1, transient receptor potential channel interacting; minus strand). Cytogenetic location: 16p13.3.
Variant type: single nucleotide variant.
Coding change: c.2180T>C on transcript NM_001009944.3 (MANE Select); coding-DNA position 2180, T replaced by C.
Protein change: p.Leu727Pro; replaces leucine 727 with proline.
Molecular consequence: missense variant.
Genome position (GRCh38, 1-based): chr16:2,114,843, A>G on the plus strand (T>C on the coding strand, the complement: PKD1 is on the minus strand). VCF-style: chr16-2114843-A-G. GRCh37 (hg19) VCF-style: chr16-2164844-A-G.
Other names: c.2180T>C, p.Leu727Pro (NM_000296.4); short protein forms L727P.
Identifiers: ClinVar variation 562302 (VCV000562302.51), dbSNP rs1616940, ClinGen allele CA276782871.

ClinVar aggregate classification (germline): Pathogenic/Likely pathogenic. Review status: criteria provided, multiple submitters, no conflicts (2 of 4 stars). 26 submissions from 25 submitters: Pathogenic (9); Likely pathogenic (14). 3 of the submissions do not count toward it. Last evaluated 2026-09-01.

Conditions:
Autosomal dominant polycystic kidney disease. Identifiers: Orphanet 730, MedGen C0085413, MONDO:0004691.
Polycystic kidney disease, adult type (PKD1). Also called: POLYCYSTIC KIDNEY DISEASE 1 WITH OR WITHOUT POLYCYSTIC LIVER DISEASE; Polycystic Kidney Disease 1, Autosomal Dominant; Polycystic kidney disease 1; Polycystic kidney disease 1, severe; POLYCYSTIC KIDNEY DISEASE, ADULT, TYPE I; Polycystic Kidney, Autosomal Dominant. Identifiers: MedGen C3149841, MONDO:0008263, OMIM 173900.
PKD1-related disorder. Also called: PKD1-related condition.
Polycystic kidney disease 3 with or without polycystic liver disease. Also called: Polycystic kidney disease 3; POLYCYSTIC KIDNEY DISEASE, ADULT, TYPE III; Polycystic Kidney and/or Polycystic Liver Disease 3. Identifiers: MedGen C3887964, MONDO:0010916, OMIM 600666.
Polycystic kidney disease. Also called: Kidney, Polycystic; Polycystic kidney dysplasia. Identifiers: MedGen C0022680, MeSH D007690, MONDO:0020642, HP:0000113.

Submissions 1 to 10 of 26:

CeGaT Center for Human Genetics Tuebingen
Classification: Likely pathogenic. Last evaluated: 2026-09-01. Review status: criteria provided, single submitter. Criteria: CeGaT Center For Human Genetics Tuebingen Variant Classification Criteria Version 2. Collection method: clinical testing. Allele origin: germline. Affected: yes. Observed: 3 variant alleles.
Comment: PKD1: PS4, PM2, PM5, PP4

PreventionGenetics, part of Exact Sciences
Classification: Pathogenic for PKD1-related condition. Last evaluated: 2026-06-05. Review status: criteria provided, single submitter. Criteria: ACMG Guidelines, 2015. Collection method: clinical testing. Allele origin: germline.
Comment: The PKD1 c.2180T>C variant is predicted to result in the amino acid substitution p.Leu727Pro. This variant has been repeatedly reported in patients with autosomal dominant polycystic kidney disease (ADPKD) (see for example, Carrera et al. 2016. PubMed ID: 27499327; He et al. 2018. PubMed ID: 30333007; Table S3, Ottlewski et al. 2019. PubMed ID: 31027891; Table S4, Mallawaarachchi et al. 2021. PubMed ID: 33437033; Bleyer et al. 2022. PubMed ID: 35325889). This variant has also been reported in several unrelated individuals undergoing sequencing for PKD at PreventionGenetics (Internal Data). This variant has not been reported in a large population database (gnomAD), indicating it is rare. This variant is classified as pathogenic/likely pathogenic in the ClinVar database (Variation: 562302). This variant is interpreted as pathogenic.

Victorian Clinical Genetics Services, Murdoch Childrens Research Institute
Classification: Pathogenic for Polycystic kidney disease, adult type. Last evaluated: 2026-02-10. Review status: criteria provided, single submitter. Criteria: ACMG Guidelines, 2015. Collection method: clinical testing. Allele origin: germline. Affected: yes.
Comment: This variant is classified as Pathogenic. Evidence in support of pathogenic classification: Variant is absent from gnomAD (v2, v3 and v4); This variant has strong previous evidence of pathogenicity in unrelated individuals. This variant has been described as pathogenic in ClinVar and the Autosomal Dominant Polycystic Kidney Disease (ADPKD) Database (PKDB). It has been reported in multiple individuals with ADPKD in the literature (PMID: 22508176; 24374109). Additional information: Variant is predicted to result in a missense amino acid change from Leu to Pro; This variant is heterozygous; This gene is associated with autosomal dominant disease. Polycystic kidney disease 1 (MIM#173900) is predominantly caused by monoallelic variants, with rare reports of biallelic variants causing disease (OMIM); Alternative amino acid change(s) at the same position are present in gnomAD (highest allele count: v4: 1 heterozygote(s), 0 homozygote(s)); Variant is not located in an established domain, motif, hotspot or informative constraint region; Missense variant with inconclusive in silico prediction and/or uninformative conservation; Loss of function is a known mechanism of disease in this gene and is associated with polycystic kidney disease 1 (MIM#173900); Inheritance information for this variant is not currently available in this individual.

Medical and Scientific Branch, Hong Kong Genome Institute
Classification: Likely pathogenic for Polycystic kidney disease, adult type. Last evaluated: 2026-01-26. Review status: criteria provided, single submitter. Criteria: ACMG Guidelines, 2015. Collection method: clinical testing. Allele origin: unknown. Affected: yes.

Variantyx, Inc.
Classification: Likely pathogenic for Polycystic kidney disease, adult type. Last evaluated: 2026-01-09. Review status: criteria provided, single submitter. Criteria: Variantyx Assertion Criteria 2022. Collection method: clinical testing. Allele origin: germline. Inheritance: Autosomal dominant inheritance. Affected: yes.
Comment: This is a nonsynonymous variant in the PKD1 gene (OMIM: 601313). Pathogenic variants in this gene have been associated with autosomal dominant polycystic kidney disease 1. The clinical symptoms reported for this individual are highly specific for autosomal dominant polycystic kidney disease 1, which has a limited genetic etiology (PMID: 20301424) (PP4_Moderate). This variant has been reported in multiple unrelated affected individuals (PMID: 22383692, 30816285, 29801666, 21115670, 23431072, 24374109, 30333007) (PS4_Moderate). Computational algorithms produce conflicting evidence regarding the predicted functional impact of this variant (REVEL score: 0.422); However, two alternate amino acid changes at this position (p.Leu727Gln, p.Leu727Arg) have been previously reported in similarly affected individuals, which suggests that this residue is biologically important (PMID: 21115670,29801666) (PM5_Supporting). This variant has a 0.0001% maximum allele frequency in non-founder control populations (PM2). Based on the current evidence, this variant is classified as likely pathogenic for autosomal dominant polycystic kidney disease 1.

GeneDx
Classification: Likely pathogenic. Last evaluated: 2025-06-16. Review status: criteria provided, single submitter. Criteria: GeneDx Variant Classification Process June 2021. Collection method: clinical testing. Allele origin: germline. Affected: yes.
Comment: Not observed at significant frequency in large population cohorts (gnomAD); In silico analysis supports that this missense variant has a deleterious effect on protein structure/function; This variant is associated with the following publications: (PMID: 26661679, 24374109, 23431072, 22090377, 17582161, 30333007, 25333066, 25646624, 27499327, 22508176, 21115670, 22383692, 29038287, 30816285, 33454723, 33437033, 33532864, 27835667, 30586318, 31027891, 38689396, 36699011, 37372410, 40069205, 36186434, 35325889, 33315352, 37372416, 38527221, 38481516, 26139440, 29801666, 32398770, 39928271)

Mayo Clinic Laboratories, Mayo Clinic
Classification: Likely pathogenic. Last evaluated: 2025-05-28. Review status: criteria provided, single submitter. Criteria: ACMG Guidelines, 2015. Collection method: clinical testing. Allele origin: germline. Observed: 4 variant alleles.
Comment: PP1, PM2_supporting, PM5, PS4

Blueprint Genetics
Classification: Pathogenic for PKD1-related disorders. Last evaluated: 2024-11-27. Review status: criteria provided, single submitter. Criteria: ACMG Guidelines, 2015. Collection method: clinical testing. Allele origin: germline. Affected: yes. Observed: 5 variant alleles.

Molecular Genetics, Royal Melbourne Hospital
Classification: Pathogenic for Autosomal dominant polycystic kidney disease. Last evaluated: 2024-08-05. Review status: criteria provided, single submitter. Criteria: ACMG Guidelines, 2015. Collection method: clinical testing. Allele origin: germline. Inheritance: Autosomal dominant inheritance. Affected: yes.
Comment: This sequence change in PKD1 is predicted to replace leucine with proline at codon 727, p.(Leu727Pro). The leucine residue is highly conserved (100 vertebrates, Multiz Alignments), and is located in the extracellular region. There is a moderate physicochemical difference between leucine and proline. This variant is absent from the population database gnomAD v2.1 and v3.1. This variant has been reported in multiple individuals with a clinical diagnosis of autosomal dominant polycystic kidney disease (ADPKD) and segregates with disease in at least two unrelated families (PMID: 30333007, 26139440, 22508176, 22383692, 21115670, 23431072, ADPKD Database). Computational evidence is uninformative for the missense substitution (REVEL = 0.422). Based on the classification scheme RMH Modified ACMG/AMP Guidelines v1.7.0, this variant is classified as PATHOGENIC. Following criteria are met: PS4_VeryStrong, PM2_Supporting, PP1_Moderate

Rady Children's Institute for Genomic Medicine, Rady Children's Hospital San Diego
Classification: Likely pathogenic for Autosomal Dominant Polycystic Kidney Disease 1. Last evaluated: 2024-01-11. Review status: criteria provided, single submitter. Criteria: ACMG Guidelines, 2015. Collection method: clinical testing. Allele origin: germline. Affected: yes.
Comment: The c.2180T>C (p.Leu727Pro) variant affects a moderately conserved amino acid and is predicted by multiple in silico tools to have a deleterious effect on protein function. This variant has been previously reported as a heterozygous change in individuals with polycystic kidney disease-1 (PMID: 17582161, 23431072, 24374109, 29038287, 30333007, 31027891, 33315352, 33454723, 33437033, 36186434). Different amino acid changes at the same residue (p.Leu727Arg; p.Leu727Gln) have been previously reported in individuals with polycystic kidney disease-1 (PMID: 21115670, 36082560, 29801666). The c.2180T>C (p.Leu727Pro) variant is absent from the gnomAD population database and thus is presumed to be rare. Based on the available evidence, c.2180T>C (p.Leu727Pro) is classified as Likely Pathogenic.